The following is an entry in ClinVar:

ClinVar aggregate classification (germline): Likely benign. Review status: criteria provided, multiple submitters, no conflicts (2 of 4 stars). 3 submissions from 3 submitters: Likely benign (3). Last evaluated 2025-04-17.

Conditions:
Arrhythmogenic cardiomyopathy with wooly hair and keratoderma. Also called: Dilated cardiomyopathy with woolly hair and keratoderma; Carvajal syndrome; Arrhythmogenic cardiomyopathy with woolly hair and keratoderma; PALMOPLANTAR KERATODERMA WITH LEFT VENTRICULAR CARDIOMYOPATHY AND WOOLLY HAIR. Identifiers: Orphanet 65282, MedGen C1854063, MONDO:0011581, OMIM 605676.
Cardiovascular phenotype. Identifiers: MedGen CN230736.
Arrhythmogenic right ventricular dysplasia 8 (ARVD8). Also called: ARRHYTHMOGENIC RIGHT VENTRICULAR DYSPLASIA, FAMILIAL, 8; ARRHYTHMOGENIC RIGHT VENTRICULAR CARDIOMYOPATHY 8; Arrhythmogenic Right Ventricular Dysplasia/Cardiomyopathy 8. Identifiers: MedGen C1843896, MONDO:0011831, OMIM 607450.

Allele frequency attached by ClinVar (database versions not stated): ExAC 0.00001.
gnomAD v4.1: 7 of 1,614,074 alleles (0.00043%); highest among the groups gnomAD compares: African/African-American, 0.0053%; no homozygotes.

Submissions (3):

Labcorp Genetics (formerly Invitae), Labcorp
Classification: Likely benign for Arrhythmogenic cardiomyopathy with wooly hair and keratoderma; Arrhythmogenic right ventricular dysplasia 8. Last evaluated: 2025-04-17. Review status: criteria provided, single submitter. Criteria: Invitae Variant Classification Sherloc (09022015). Collection method: clinical testing. Allele origin: germline.

Ambry Genetics
Classification: Likely benign for Cardiovascular phenotype. Last evaluated: 2023-05-11. Review status: criteria provided, single submitter. Criteria: Ambry Variant Classification Scheme 2023. Collection method: clinical testing. Allele origin: germline.

All of Us Research Program, National Institutes of Health
Classification: Likely benign for Arrhythmogenic cardiomyopathy with wooly hair and keratoderma. Last evaluated: 2022-11-30. Review status: criteria provided, single submitter. Criteria: ACMG Guidelines, 2015. Collection method: clinical testing. Allele origin: germline. Inheritance: Autosomal dominant inheritance. Observed: 1 variant allele, 1 heterozygote.
Comment: This study involves interpretation of variants in research participants for the purpose of population health screening. Participant phenotype was not available at the time of variant classification. Additional details can be found in publication PMID: 35346344, PMCID: PMC8962531

NM_004415.4(DSP):c.8262G>T (p.Gly2754=)

Gene: DSP (desmoplakin; plus strand). Cytogenetic location: 6p24.3.
Variant type: single nucleotide variant.
Coding change: c.8262G>T on transcript NM_004415.4 (MANE Select); coding-DNA position 8262, G replaced by T.
Protein change: p.Gly2754=; no amino-acid change (glycine 2754 retained).
Molecular consequence: synonymous variant.
Genome position (GRCh38, 1-based): chr6:7,585,524, G>T. VCF-style: chr6-7585524-G-T. GRCh37 (hg19) VCF-style: chr6-7585757-G-T.
Other names: c.6465G>T, p.Gly2155= (NM_001008844.3); c.6933G>T, p.Gly2311= (NM_001319034.2); c.8262G>T (NM_004415.2).
Identifiers: ClinVar variation 1119408 (VCV001119408.12), dbSNP rs187226788, ClinGen allele CA051938.